The following is an entry in ClinVar:

ClinVar aggregate classification (germline): Uncertain significance (1 of 4 stars; one submission).

Conditions:
Candidiasis, familial, 9 (CANDF9). Identifiers: Orphanet 1334, MedGen C4225324, MONDO:0014642, OMIM 616445.

Allele frequency attached by ClinVar (database versions not stated): gnomAD 0.00001.
gnomAD v4.1: 4 of 1,611,576 alleles (0.00025%); highest among the groups gnomAD compares: Admixed American, 0.0067%; no homozygotes.

Submission:

Labcorp Genetics (formerly Invitae), Labcorp
Classification: Uncertain significance for Candidiasis, familial, 9. Last evaluated: 2025-12-15. Review status: criteria provided, single submitter. Criteria: Invitae Variant Classification Sherloc (09022015). Collection method: clinical testing. Allele origin: germline.
Comment: This sequence change replaces glutamine, which is neutral and polar, with proline, which is neutral and non-polar, at codon 760 of the IL17RC protein (p.Gln760Pro). The frequency data for this variant in the population databases is considered unreliable, as metrics indicate poor data quality at this position in the gnomAD database. This variant has not been reported in the literature in individuals affected with IL17RC-related conditions. ClinVar contains an entry for this variant (Variation ID: 968778). An algorithm developed to predict the effect of missense changes on protein structure and function (PolyPhen-2) suggests that this variant is likely to be disruptive. In summary, the available evidence is currently insufficient to determine the role of this variant in disease. Therefore, it has been classified as a Variant of Uncertain Significance.

NM_153460.4(IL17RC):c.2066A>C (p.Gln689Pro)

Genes: IL17RC (interleukin 17 receptor C; plus strand), LOC129936144 (ATAC-STARR-seq lymphoblastoid silent region 14051; plus strand). Cytogenetic location: 3p25.3.
Variant type: single nucleotide variant.
Coding change: c.2066A>C on transcript NM_153460.4 (MANE Select); coding-DNA position 2066, A replaced by C.
Protein change: p.Gln689Pro; replaces glutamine 689 with proline.
Molecular consequence: missense variant. On other transcripts: non-coding transcript variant (1).
Genome position (GRCh38, 1-based): chr3:9,933,496, A>C. VCF-style: chr3-9933496-A-C. GRCh37 (hg19) VCF-style: chr3-9975180-A-C.
Other names: c.2027A>C, p.Gln676Pro (NM_001203263.2); c.1976A>C, p.Gln659Pro (NM_001203264.2); c.1970A>C, p.Gln657Pro (NM_001203265.2); c.1988A>C, p.Gln663Pro (NM_001367278.1); c.1907A>C, p.Gln636Pro (NM_001367279.1); c.1982A>C, p.Gln661Pro (NM_001367280.1); c.2021A>C, p.Gln674Pro (NM_032732.6); c.2279A>C, p.Gln760Pro (NM_153461.4); short protein forms Q636P, Q663P, Q676P, Q659P, Q661P, Q760P, Q657P, Q689P.
Identifiers: ClinVar variation 968778 (VCV000968778.6), dbSNP rs753085510, ClinGen allele CA351709488.